The following is an entry in ClinVar:

ClinVar aggregate classification (germline): Uncertain significance. Review status: criteria provided, multiple submitters, no conflicts (2 of 4 stars). 7 submissions from 7 submitters: Uncertain significance (5). 2 of the submissions do not count toward it. Last evaluated 2026-02-11.

Conditions:
Fanconi anemia (FA). Also called: Fanconi's anemia. Identifiers: Orphanet 84, MedGen C0015625, MeSH D005199, MONDO:0019391.
Fanconi anemia complementation group A (FANCA). Also called: Fanconi anemia, group A; FANCA-Related Fanconi Anemia. Identifiers: Orphanet 84, MedGen C3469521, MONDO:0009215, OMIM 227650.

Allele frequency attached by ClinVar (database versions not stated): ExAC 0.00005; gnomAD exomes 0.00005 and 0.00008; TOPMed 0.00006; gnomAD 0.00007 and 0.00008; ESP Exome Variant Server 0.00008.
gnomAD v4.1: 135 of 1,613,952 alleles (0.0084%); highest among the groups gnomAD compares: Non-Finnish European, 0.011%; 1 homozygote.

Submissions (7):

St. Jude Molecular Pathology, St. Jude Children's Research Hospital
Classification: Uncertain significance for Fanconi anemia complementation group A. Last evaluated: 2026-02-11. Review status: criteria provided, single submitter. Criteria: St. Jude Assertion Criteria 2020. Collection method: clinical testing. Allele origin: germline.
Comment: The FANCA c.3069G>T p.(Glu1023Asp) missense change has a maximum subpopulation frequency of 0.007% in gnomAD v2.1.1. The in silico tool REVEL is inconclusive about a pathogenic or benign effect of this variant on protein function, and to our knowledge functional studies have not been performed. To our knowledge, this variant has not been reported in individuals with Fanconi anemia. In summary, the evidence currently available is insufficient to determine the clinical significance of this variant. It has therefore been classified as of uncertain significance.

Quest Diagnostics Nichols Institute San Juan Capistrano
Classification: Uncertain significance. Last evaluated: 2025-07-17. Review status: criteria provided, single submitter. Criteria: Quest Diagnostics criteria. Collection method: clinical testing. Allele origin: unknown.
Comment: The FANCA c.3069G>T (p.Glu1023Asp) variant has been reported in the published literature in individuals with breast cancer (PMID: 23021409 (2013), 30246500 (2019)) and in reportedly unaffected individuals (PMID: 23021409 (2013), 35884425 (2022)). The frequency of this variant in the general population (Genome Aggregation Database) is uninformative in the assessment of its pathogenicity. Analysis of this variant using bioinformatics tools for the prediction of the effect of amino acid changes on protein structure and function yielded conflicting predictions that this variant is benign or damaging. Based on the available information, we are unable to determine the clinical significance of this variant.

Blueprint Genetics
Classification: Uncertain significance. Last evaluated: 2024-10-01. Review status: criteria provided, single submitter. Criteria: ACMG Guidelines, 2015. Collection method: clinical testing. Allele origin: germline.

Fulgent Genetics
Classification: Uncertain significance for Fanconi anemia complementation group A. Last evaluated: 2024-01-22. Review status: criteria provided, single submitter. Criteria: ACMG Guidelines, 2015. Collection method: clinical testing. Allele origin: germline.

Labcorp Genetics (formerly Invitae), Labcorp
Classification: Uncertain significance for Fanconi anemia. Last evaluated: 2023-12-11. Review status: criteria provided, single submitter. Criteria: Invitae Variant Classification Sherloc (09022015). Collection method: clinical testing. Allele origin: germline.
Comment: This sequence change replaces glutamic acid, which is acidic and polar, with aspartic acid, which is acidic and polar, at codon 1023 of the FANCA protein (p.Glu1023Asp). This variant is present in population databases (rs373986283, gnomAD 0.008%). This missense change has been observed in individual(s) with breast cancer (PMID: 23021409). ClinVar contains an entry for this variant (Variation ID: 550170). An algorithm developed to predict the effect of missense changes on protein structure and function (PolyPhen-2) suggests that this variant¬†is likely to be tolerated. In summary, the available evidence is currently insufficient to determine the role of this variant in disease. Therefore, it has been classified as a Variant of Uncertain Significance.

Natera, Inc.
Classification: Uncertain significance for Fanconi anemia. Last evaluated: 2020-01-02. Review status: no assertion criteria provided. Collection method: clinical testing. Allele origin: germline. Not counted in ClinVar's aggregate classification.

Counsyl
Classification: Uncertain significance for Fanconi anemia complementation group A. Last evaluated: 2017-01-09. Review status: no assertion criteria provided. Collection method: clinical testing. Allele origin: unknown. Not counted in ClinVar's aggregate classification.

Literature cited by the submitters: PubMed 23021409 (cited by 3 submitters); PubMed 30246500 (cited by Quest Diagnostics Nichols Institute San Juan Capistrano); PubMed 35884425 (cited by Quest Diagnostics Nichols Institute San Juan Capistrano).

NM_000135.4(FANCA):c.3069G>T (p.Glu1023Asp)

Gene: FANCA (FA complementation group A; minus strand). Cytogenetic location: 16q24.3.
Variant type: single nucleotide variant.
Coding change: c.3069G>T on transcript NM_000135.4 (MANE Select); coding-DNA position 3069, G replaced by T.
Protein change: p.Glu1023Asp; replaces glutamic acid 1023 with aspartic acid.
Molecular consequence: missense variant.
Genome position (GRCh38, 1-based): chr16:89,749,900, C>A on the plus strand (G>T on the coding strand, the complement: FANCA is on the minus strand). VCF-style: chr16-89749900-C-A. GRCh37 (hg19) VCF-style: chr16-89816308-C-A.
Other names: c.3069G>T (NM_000135.3, LRG_495t1); c.3069G>T, p.Glu1023Asp (NM_001286167.3); short protein forms E1023D.
Identifiers: ClinVar variation 550170 (VCV000550170.18), dbSNP rs373986283, ClinGen allele CA8251340.